The following is an entry in ClinVar:

ClinVar aggregate classification (germline): Uncertain significance (1 of 4 stars; one submission).

Conditions:
Neurodevelopmental disorder with or without hyperkinetic movements and seizures, autosomal dominant. Also called: Intellectual disability, autosomal dominant 8. Identifiers: MedGen C3280282, MONDO:0013655, OMIM 614254.

Submission:

Labcorp Genetics (formerly Invitae), Labcorp
Classification: Uncertain significance for Neurodevelopmental disorder with or without hyperkinetic movements and seizures, autosomal dominant. Last evaluated: 2023-12-30. Review status: criteria provided, single submitter. Criteria: Invitae Variant Classification Sherloc (09022015). Collection method: clinical testing. Allele origin: unknown.
Comment: This variant results in a copy number gain of the genomic region encompassing exon(s) 1-8 of the GRIN1 gene. This region includes the initiator codon of the gene. This copy number gain extends beyond the assayed region for this gene and therefore may encompass additional genes. As the precise location of this event is unknown, it may be in tandem or it may be located elsewhere in the genome. This variant has not been reported in the literature in individuals affected with GRIN1-related conditions. In summary, the available evidence is currently insufficient to determine the role of this variant in disease. Therefore, it has been classified as a Variant of Uncertain Significance.

NC_000009.11:g.(?_140033939)_(140053176_?)dup

Gene: GRIN1 (glutamate ionotropic receptor NMDA type subunit 1; plus strand). Cytogenetic location: 9q34.3.
Variant type: Duplication.
Identifiers: ClinVar variation 3245247 (VCV003245247.1).